The following is an entry in ClinVar:

ClinVar aggregate classification (germline): Uncertain significance. Review status: criteria provided, multiple submitters, no conflicts (2 of 4 stars). 4 submissions from 4 submitters: Uncertain significance (4). Last evaluated 2023-07-26.

Conditions:
Hereditary cancer-predisposing syndrome. Also called: Neoplastic Syndromes, Hereditary; Hereditary Cancer Syndrome; Tumor predisposition; Hereditary neoplastic syndrome. Identifiers: Orphanet 140162, MedGen C0027672, MeSH D009386, MONDO:0015356.
Familial adenomatous polyposis 1 (FAP1). Also called: FAMILIAL ADENOMATOUS POLYPOSIS 1, ATTENUATED; POLYPOSIS, ADENOMATOUS INTESTINAL. Identifiers: MedGen C2713442, MONDO:0021056, OMIM 175100. Disease mechanism: loss of function.

Allele frequency attached by ClinVar (database versions not stated): gnomAD exomes below 0.00001.
gnomAD v4.1: 1 of 1,614,098 alleles (0.000062%); highest among the groups gnomAD compares: Middle Eastern, 0.016%; no homozygotes.

Submissions (4):

Baylor Genetics
Classification: Uncertain significance for Familial adenomatous polyposis 1. Last evaluated: 2023-07-26. Review status: criteria provided, single submitter. Criteria: ACMG Guidelines, 2015. Collection method: clinical testing. Allele origin: unknown.

Ambry Genetics
Classification: Uncertain significance for Hereditary cancer-predisposing syndrome. Last evaluated: 2023-03-20. Review status: criteria provided, single submitter. Criteria: Ambry Variant Classification Scheme 2023. Collection method: clinical testing. Allele origin: germline.
Comment: The p.P1372L variant (also known as c.4115C>T), located in coding exon 15 of the APC gene, results from a C to T substitution at nucleotide position 4115. The proline at codon 1372 is replaced by leucine, an amino acid with similar properties. This amino acid position is highly conserved in available vertebrate species. In addition, in silico predictors for this gene do not accurately predict pathogenicity. Since supporting evidence is limited at this time, the clinical significance of this alteration remains unclear.

Labcorp Genetics (formerly Invitae), Labcorp
Classification: Uncertain significance for Familial adenomatous polyposis 1. Last evaluated: 2021-02-01. Review status: criteria provided, single submitter. Criteria: Invitae Variant Classification Sherloc (09022015). Collection method: clinical testing. Allele origin: germline.
Comment: This sequence change replaces proline with leucine at codon 1372 of the APC protein (p.Pro1372Leu). The proline residue is highly conserved and there is a moderate physicochemical difference between proline and leucine. This variant is not present in population databases (ExAC no frequency). Algorithms developed to predict the effect of missense changes on protein structure and function are either unavailable or do not agree on the potential impact of this missense change (SIFT: "Deleterious"; PolyPhen-2: "Probably Damaging"; Align-GVGD: "Class C15"). In summary, the available evidence is currently insufficient to determine the role of this variant in disease. Therefore, it has been classified as a Variant of Uncertain Significance. This variant has not been reported in the literature in individuals with APC-related conditions. ClinVar contains an entry for this variant (Variation ID: 928369).

Color Diagnostics, LLC DBA Color Health
Classification: Uncertain significance for Hereditary cancer-predisposing syndrome. Last evaluated: 2019-01-28. Review status: criteria provided, single submitter. Criteria: ACMG Guidelines, 2015. Collection method: clinical testing. Allele origin: germline.

NM_000038.6(APC):c.4115C>T (p.Pro1372Leu)

Gene: APC (APC regulator of Wnt signaling pathway; plus strand). Cytogenetic location: 5q22.2.
Variant type: single nucleotide variant.
Coding change: c.4115C>T on transcript NM_000038.6 (MANE Select); coding-DNA position 4115, C replaced by T.
Protein change: p.Pro1372Leu; replaces proline 1372 with leucine.
Molecular consequence: missense variant.
Genome position (GRCh38, 1-based): chr5:112,839,709, C>T. VCF-style: chr5-112839709-C-T. GRCh37 (hg19) VCF-style: chr5-112175406-C-T.
Other names: c.4115C>T, p.Pro1372Leu (NM_001127510.3, NM_001354895.2); c.4061C>T, p.Pro1354Leu (NM_001127511.3); c.4169C>T, p.Pro1390Leu (NM_001354896.2); c.4145C>T, p.Pro1382Leu (NM_001354897.2); c.4040C>T, p.Pro1347Leu (NM_001354898.2); c.4031C>T, p.Pro1344Leu (NM_001354899.2); c.3992C>T, p.Pro1331Leu (NM_001354900.2); c.3938C>T, p.Pro1313Leu (NM_001354901.2); and 5 more; short protein forms P1331L, P1089L, P1246L, P1344L, P1347L, P1372L, P1281L, P1313L.
Identifiers: ClinVar variation 928369 (VCV000928369.12), dbSNP rs1765605460, ClinGen allele CA16030346.
Genomic context (GRCh38, chr5:112,839,709, plus strand): 5'-TTGAATTTTCTTCAGGAGCGAAATCTCCCTCCAAAAGTGGTGCTCAGACACCCAAAAGTC[C>T]ACCTGAACACTATGTTCAGGAGACCCCACTCATGTTTAGCAGATGTACTTCTGTCAGTTC-3'
Protein context (NP_000029.2, residues 1362-1382): SKSGAQTPKS[Pro1372Leu]PEHYVQETPL